The following is an entry in ClinVar:

ClinVar aggregate classification (germline): Likely benign. Review status: criteria provided, multiple submitters, no conflicts (2 of 4 stars). 2 submissions from 2 submitters: Likely benign (2). Last evaluated 2026-09-01.

gnomAD v4.1: 654 of 1,614,160 alleles (0.041%); highest among the groups gnomAD compares: African/African-American, 0.74%; 2 homozygotes.

Submissions (2):

CeGaT Center for Human Genetics Tuebingen
Classification: Likely benign. Last evaluated: 2026-09-01. Review status: criteria provided, single submitter. Criteria: CeGaT Center For Human Genetics Tuebingen Variant Classification Criteria Version 2. Collection method: clinical testing. Allele origin: germline. Affected: yes. Observed: 1 variant allele.
Comment: TRPM3: BP4, BP7

Blueprint Genetics
Classification: Likely benign. Last evaluated: 2024-09-23. Review status: criteria provided, single submitter. Criteria: ACMG Guidelines, 2015. Collection method: clinical testing. Allele origin: germline.

NM_001366145.2(TRPM3):c.4557C>G (p.Thr1519=)

Genes: KLF9-DT (KLF9 divergent transcript; plus strand), TRPM3 (transient receptor potential cation channel subfamily M member 3; minus strand). Cytogenetic location: 9q21.12.
Variant type: single nucleotide variant.
Coding change: c.4557C>G on transcript NM_001366145.2 (MANE Select); coding-DNA position 4557, C replaced by G.
Protein change: p.Thr1519=; no amino-acid change (threonine 1519 retained).
Molecular consequence: synonymous variant. On other transcripts: intron variant (8).
Genome position (GRCh38, 1-based): chr9:70,536,556, G>C on the plus strand (C>G on the coding strand, the complement: TRPM3 is on the minus strand). VCF-style: chr9-70536556-G-C. GRCh37 (hg19) VCF-style: chr9-73151472-G-C.
Other names: c.4521C>G, p.Thr1507= (NM_001007471.4); c.4527C>G, p.Thr1509= (NM_001366141.2, NM_001366149.2); c.4632C>G, p.Thr1544= (NM_001366147.2); c.4062C>G, p.Thr1354= (NM_020952.6); c.4098C>G, p.Thr1366= (NM_024971.7); c.4032C>G, p.Thr1344= (NM_206944.5); c.4068C>G, p.Thr1356= (NM_206945.5); c.4137C>G, p.Thr1379= (NM_206946.5); and 9 more.
Identifiers: ClinVar variation 4903266 (VCV004903266.2).